The following is an entry in ClinVar:

ClinVar aggregate classification (germline): Pathogenic. Review status: criteria provided, multiple submitters, no conflicts (2 of 4 stars). 2 submissions from 2 submitters: Pathogenic (2). Last evaluated 2025-04-09.

Conditions:
PKD1-related disorder. Also called: PKD1-related condition.
Polycystic kidney disease, adult type (PKD1). Also called: POLYCYSTIC KIDNEY DISEASE, ADULT, TYPE I; Polycystic Kidney Disease 1, Autosomal Dominant; Polycystic kidney disease 1; Polycystic kidney disease 1, severe; Polycystic Kidney, Autosomal Dominant; POLYCYSTIC KIDNEY DISEASE 1 WITH OR WITHOUT POLYCYSTIC LIVER DISEASE. Identifiers: MedGen C3149841, MONDO:0008263, OMIM 173900.

Submissions (2):

PreventionGenetics, part of Exact Sciences
Classification: Pathogenic for PKD1-related condition. Last evaluated: 2025-04-09. Review status: criteria provided, single submitter. Criteria: ACMG Guidelines, 2015. Collection method: clinical testing. Allele origin: germline.
Comment: The PKD1 c.3242C>A variant is predicted to result in premature protein termination (p.Ser1081*). This variant has been reported in an individual with autosomal dominant polycystic kidney disease (ADPKD) (Table IA, Rossetti et al. 2007. PubMed ID: 17582161). This variant has not been reported in a large population database (gnomAD), indicating this variant is rare. Nonsense variants in PKD1 are expected to be pathogenic. This variant is interpreted as pathogenic.

Juno Genomics, Hangzhou Juno Genomics, Inc
Classification: Pathogenic for Polycystic kidney disease, adult type. Review status: criteria provided, single submitter. Criteria: ACMG Guidelines, 2015. Collection method: clinical testing. Allele origin: germline. Affected: yes.
Comment: Null variant in a gene where loss of function (LOF) is a known mechanism of disease.;Absent from controls (or at extremely low frequency if recessive) in Genome Aggregation Database, Exome Sequencing Project, 1000 Genomes Project, or Exome Aggregation Consortium.;The prevalence of the variant in affected individuals is significantly increased compared to the prevalence in controls.;Patient's phenotype or family history is highly specific for a disease with a single genetic etiology.

NM_001009944.3(PKD1):c.3242C>A (p.Ser1081Ter)

Gene: PKD1 (polycystin 1, transient receptor potential channel interacting; minus strand). Cytogenetic location: 16p13.3.
Variant type: single nucleotide variant.
Coding change: c.3242C>A on transcript NM_001009944.3 (MANE Select); coding-DNA position 3242, C replaced by A.
Protein change: p.Ser1081Ter; replaces serine 1081 with a stop codon.
Molecular consequence: nonsense.
Genome position (GRCh38, 1-based): chr16:2,112,393, G>T on the plus strand (C>A on the coding strand, the complement: PKD1 is on the minus strand). VCF-style: chr16-2112393-G-T. GRCh37 (hg19) VCF-style: chr16-2162394-G-T.
Other names: c.3242C>A, p.Ser1081Ter (NM_000296.4); short protein forms S1081*.
Identifiers: ClinVar variation 3382846 (VCV003382846.3).
Genomic context (GRCh38, chr16:2,112,393, plus strand): 5'-CCCTCACCTGGGGCAGCGTAGGTGTGCATGACATTGTGCTCCACCAGCACCTGGGCCACC[G>T]AGGGGTCTGGAACCGGGAAGGACTCGTTGTACGGAGGCTGGAACTGGTGGAGGGCCTGCT-3'